The following is an entry in ClinVar:

NM_001257096.2(PAX1):c.1109_1113delinsCCAACCA (p.Tyr370fs)

Gene: PAX1 (paired box 1; plus strand). Cytogenetic location: 20p11.22.
Variant type: Indel.
Coding change: c.1109_1113delinsCCAACCA on transcript NM_001257096.2 (MANE Select); coding-DNA positions 1109 to 1113, ACCCG replaced by CCAACCA.
Protein change: p.Tyr370fs; shifts the reading frame from tyrosine 370.
Molecular consequence: frameshift variant.
Genome position (GRCh38, 1-based): chr20:21,709,271-21,709,275, ACCCG replaced by CCAACCA. VCF-style: chr20-21709271-ACCCG-CCAACCA. GRCh37 (hg19) VCF-style: chr20-21689909-ACCCG-CCAACCA.
Other names: c.1109_1113delinsCCAACCA, p.Tyr370fs (NM_006192.5); short protein forms Y370fs.
Identifiers: ClinVar variation 1309932 (VCV001309932.3), dbSNP rs2122139471, ClinGen allele CA2573054860.

ClinVar aggregate classification (germline): Likely pathogenic (1 of 4 stars; one submission).

Submission:

GeneDx
Classification: Likely pathogenic. Last evaluated: 2022-06-13. Review status: criteria provided, single submitter. Criteria: GeneDx Variant Classification Process June 2021. Collection method: clinical testing. Allele origin: germline. Affected: yes.
Comment: Frameshift variant predicted to result in protein truncation or nonsense mediated decay in a gene for which loss of function is a known mechanism of disease; Not observed at significant frequency in large population cohorts (gnomAD); Has not been previously published as pathogenic or benign to our knowledge